The following is an entry in ClinVar:

ClinVar aggregate classification (germline): Uncertain significance (1 of 4 stars; one submission).

Conditions:
Hereditary cancer-predisposing syndrome. Also called: Hereditary Cancer Syndrome; Neoplastic Syndromes, Hereditary; Tumor predisposition; Hereditary neoplastic syndrome. Identifiers: Orphanet 140162, MedGen C0027672, MeSH D009386, MONDO:0015356.

Submission:

Color Diagnostics, LLC DBA Color Health
Classification: Uncertain significance for Hereditary cancer-predisposing syndrome. Last evaluated: 2023-12-05. Review status: criteria provided, single submitter. Criteria: ACMG Guidelines, 2015. Collection method: clinical testing. Allele origin: germline.
Comment: This missense variant replaces tryptophan with arginine at codon 106 of the MSH6 protein. Computational prediction suggests that this variant may have deleterious impact on protein structure and function (internally defined REVEL score threshold >= 0.7, PMID: 27666373). To our knowledge, functional studies have not been reported for this variant. This variant has not been reported in individuals affected with MSH6-related disorders in the literature. This variant has not been identified in the general population by the Genome Aggregation Database (gnomAD). The available evidence is insufficient to determine the role of this variant in disease conclusively. Therefore, this variant is classified as a Variant of Uncertain Significance.

NM_000179.3(MSH6):c.316T>A (p.Trp106Arg)

Gene: MSH6 (mutS homolog 6; plus strand). Cytogenetic location: 2p16.3.
Variant type: single nucleotide variant.
Coding change: c.316T>A on transcript NM_000179.3 (MANE Select); coding-DNA position 316, T replaced by A.
Protein change: p.Trp106Arg; replaces tryptophan 106 with arginine.
Molecular consequence: missense variant. On other transcripts: 5 prime UTR variant (2), intron variant (1).
Genome position (GRCh38, 1-based): chr2:47,790,982, T>A. VCF-style: chr2-47790982-T-A. GRCh37 (hg19) VCF-style: chr2-48018121-T-A.
Other names: c.-421T>A (NM_001281493.2); c.-587T>A (NM_001281494.2); c.237+7512T>A (NM_001281492.2); short protein forms W106R.
Identifiers: ClinVar variation 489996 (VCV000489996.5), dbSNP rs1410755308, ClinGen allele CA346736864.
Genomic context (GRCh38, chr2:47,790,982, plus strand): 5'-AACAGTTGTGACTTCTCACCAGGAGATTTGGTTTGGGCCAAGATGGAGGGTTACCCCTGG[T>A]GGCCTTGTCTGGTTTACAACCACCCCTTTGATGGAACATTCATCCGCGAGAAAGGGAAAT-3'
Protein context (NP_000170.1, residues 96-116): VWAKMEGYPW[Trp106Arg]PCLVYNHPFD